The following is an entry in ClinVar:

ClinVar aggregate classification (germline): Uncertain risk allele (1 of 4 stars; one submission).

Conditions:
Wolfram syndrome 1 (WFS1). Identifiers: Orphanet 3463, MedGen C4551693, MONDO:0009101, OMIM 222300.

Allele frequency attached by ClinVar (database versions not stated): ExAC 0.00020.
gnomAD v4.1: 73 of 1,614,006 alleles (0.0045%); highest among the groups gnomAD compares: Non-Finnish European, 0.0047%; no homozygotes.

Submission:

Clinical Genomics, Uppaluri K&H Personalized Medicine Clinic
Classification: Uncertain risk allele for Wolfram syndrome 1. Review status: criteria provided, single submitter. Criteria: K & H Uppaluri Personalized Medicine Clinic Variant Classification & Assertion Criteria_Updated V.1. Collection method: research. Allele origin: unknown. Inheritance: Autosomal recessive inheritance.
Comment: Potent mutations in WFS1 gene are associated with Wolfram's syndrome, an autosomal recessive condition, which cause diabetes mellitus, diabetes insipidus, deafness and optic atrophy. However no sufficient evidence is found to ascertain the role of this particular variant rs775158434 in Wolfram's syndrome yet.

Literature cited by the submitters: PubMed 20738327; PubMed 33879153; PubMed 12955714; PubMed 18060660; PubMed 20301750; PubMed 17603484.

NM_006005.3(WFS1):c.1836G>C (p.Trp612Cys)

Gene: WFS1 (wolframin ER transmembrane glycoprotein; plus strand). Cytogenetic location: 4p16.1.
Variant type: single nucleotide variant.
Coding change: c.1836G>C on transcript NM_006005.3 (MANE Select); coding-DNA position 1836, G replaced by C.
Protein change: p.Trp612Cys; replaces tryptophan 612 with cysteine.
Molecular consequence: missense variant.
Genome position (GRCh38, 1-based): chr4:6,301,631, G>C. VCF-style: chr4-6301631-G-C. GRCh37 (hg19) VCF-style: chr4-6303358-G-C.
Other names: c.1836G>C, p.Trp612Cys (NM_001145853.1); short protein forms W612C.
Identifiers: ClinVar variation 2429740 (VCV002429740.1), dbSNP rs775158434, ClinGen allele CA2839514.
Genomic context (GRCh38, chr4:6,301,631, plus strand): 5'-GGAGCTCACCAAGATCGCAGTCACCGTGGCGGTCTGTAGTGTGCCCCTGCTGTTGCGCTG[G>C]TGGACCAAGGCCAGCTTCTCTGTGGTGGGGATGGTGAAGTCCCTGACGCGGAGCTCCATG-3'
Protein context (NP_005996.2, residues 602-622): AVCSVPLLLR[Trp612Cys]WTKASFSVVG